The following is an entry in ClinVar:

NM_013266.4(CTNNA3):c.264G>A (p.Thr88=)

Gene: CTNNA3 (catenin alpha 3; minus strand). Cytogenetic location: 10q21.3.
Variant type: single nucleotide variant.
Coding change: c.264G>A on transcript NM_013266.4 (MANE Select); coding-DNA position 264, G replaced by A.
Protein change: p.Thr88=; no amino-acid change (threonine 88 retained).
Molecular consequence: synonymous variant.
Genome position (GRCh38, 1-based): chr10:67,606,885, C>T on the plus strand (G>A on the coding strand, the complement: CTNNA3 is on the minus strand). VCF-style: chr10-67606885-C-T. GRCh37 (hg19) VCF-style: chr10-69366643-C-T.
Other names: c.264G>A, p.Thr88= (NM_001127384.3); c.300G>A, p.Thr100= (NM_001291133.2).
Identifiers: ClinVar variation 415366 (VCV000415366.14), dbSNP rs752481842, ClinGen allele CA5520674.

ClinVar aggregate classification (germline): Likely benign. Review status: criteria provided, multiple submitters, no conflicts (2 of 4 stars). 3 submissions from 3 submitters: Likely benign (2). 1 of the submissions does not count toward it. Last evaluated 2024-04-05.

Conditions:
CTNNA3-related disorder. Also called: CTNNA3-related condition.
Arrhythmogenic right ventricular dysplasia 13. Also called: Arrhythmogenic right ventricular dysplasia, familial, 13; ARRHYTHMOGENIC RIGHT VENTRICULAR CARDIOMYOPATHY 13. Identifiers: MedGen C3810138, MONDO:0000908, OMIM 615616.

Allele frequency attached by ClinVar (database versions not stated): ExAC 0.00001; TOPMed 0.00005; gnomAD 0.00003 and 0.00004; gnomAD exomes 0.00005.
gnomAD v4.1: 61 of 1,613,742 alleles (0.0038%); highest among the groups gnomAD compares: Admixed American, 0.022%; no homozygotes.

Submissions (3):

Labcorp Genetics (formerly Invitae), Labcorp
Classification: Likely benign for Arrhythmogenic right ventricular dysplasia 13. Last evaluated: 2024-04-05. Review status: criteria provided, single submitter. Criteria: Invitae Variant Classification Sherloc (09022015). Collection method: clinical testing. Allele origin: germline.

Ambry Genetics
Classification: Likely benign. Last evaluated: 2019-08-19. Review status: criteria provided, single submitter. Criteria: Ambry Variant Classification Scheme 2023. Collection method: clinical testing. Allele origin: germline.

PreventionGenetics, part of Exact Sciences
Classification: Likely benign for CTNNA3-related condition. Last evaluated: 2020-01-22. Review status: no assertion criteria provided. Collection method: clinical testing. Allele origin: germline. Not counted in ClinVar's aggregate classification.
Comment: This variant is classified as likely benign based on ACMG/AMP sequence variant interpretation guidelines (Richards et al. 2015 PMID: 25741868, with internal and published modifications).